The following is an entry in ClinVar:

ClinVar aggregate classification (germline): Pathogenic/Likely pathogenic. Review status: criteria provided, multiple submitters, no conflicts (2 of 4 stars). 4 submissions from 4 submitters: Pathogenic (3); Likely pathogenic (1). Last evaluated 2025-12-15.

Conditions:
CRX-related disorders.
Benign concentric annular macular dystrophy. Identifiers: Orphanet 251287, MedGen C5561925, MONDO:0007934, OMIM 153870.
Cone-rod dystrophy 2 (CORD2). Also called: CONE-ROD RETINAL DYSTROPHY; Cone-rod retinal dystrophy 2. Identifiers: Orphanet 1872, MedGen C3489532, MONDO:0007362, OMIM 120970.
Leber congenital amaurosis 7 (LCA7). Identifiers: Orphanet 65, MedGen C3151192, MONDO:0013449, OMIM 613829.

Allele frequency attached by ClinVar (database versions not stated): TOPMed below 0.00001.

Submissions (4):

Labcorp Genetics (formerly Invitae), Labcorp
Classification: Pathogenic for Cone-rod dystrophy 2; Leber congenital amaurosis 7. Last evaluated: 2025-12-15. Review status: criteria provided, single submitter. Criteria: Invitae Variant Classification Sherloc (09022015). Collection method: clinical testing. Allele origin: germline.
Comment: This sequence change creates a premature translational stop signal (p.Ser150*) in the CRX gene. While this is not anticipated to result in nonsense mediated decay, it is expected to disrupt the last 150 amino acid(s) of the CRX protein. This variant is not present in population databases (gnomAD no frequency). This premature translational stop signal has been observed in individual(s) with autosomal dominant bull's eye maculopathy (PMID: 25259927). It has also been observed to segregate with disease in related individuals. ClinVar contains an entry for this variant (Variation ID: 218921). For these reasons, this variant has been classified as Pathogenic.

Blueprint Genetics
Classification: Pathogenic for CRX-related disorders. Last evaluated: 2024-05-14. Review status: criteria provided, single submitter. Criteria: ACMG Guidelines, 2015. Collection method: clinical testing. Allele origin: germline. Affected: yes. Observed: 4 variant alleles.

GeneDx
Classification: Likely pathogenic. Last evaluated: 2024-03-21. Review status: criteria provided, single submitter. Criteria: GeneDx Variant Classification Process June 2021. Collection method: clinical testing. Allele origin: germline. Affected: yes.
Comment: Identified in unrelated patients with features of CRX-related retinal dystrophy tested at GeneDx and reported in the published literature (PMID: 25259927, 25283059, 32278709, 32579692); Nonsense variant predicted to result in protein truncation, as the last 150 amino acids are lost, and other loss-of-function variants have been reported downstream in HGMD; Not observed at significant frequency in large population cohorts (gnomAD); This variant is associated with the following publications: (PMID: 25259927, 25283059, 32579692, 32278709)

Lupski Lab, Baylor-Hopkins CMG, Baylor College of Medicine
Classification: Pathogenic for Bull's eye maculopathy. Last evaluated: 2014-09-25. Review status: criteria provided, single submitter. Criteria: Yamamoto et al. (Cell 2014). Collection method: research. Allele origin: unknown. Inheritance: Autosomal dominant inheritance. Affected: yes. Observed: 1 variant allele, 1 heterozygote.

Literature cited by the submitters: PubMed 25259927 (cited by Labcorp Genetics (formerly Invitae), Labcorp).

NM_000554.6(CRX):c.449C>G (p.Ser150Ter)

Gene: CRX (cone-rod homeobox; plus strand). Cytogenetic location: 19q13.33.
Variant type: single nucleotide variant.
Coding change: c.449C>G on transcript NM_000554.6 (MANE Select); coding-DNA position 449, C replaced by G.
Protein change: p.Ser150Ter; replaces serine 150 with a stop codon.
Molecular consequence: nonsense.
Genome position (GRCh38, 1-based): chr19:47,839,516, C>G. VCF-style: chr19-47839516-C-G. GRCh37 (hg19) VCF-style: chr19-48342773-C-G.
Other names: short protein forms S150*.
Identifiers: ClinVar variation 218921 (VCV000218921.11), dbSNP rs864309706, ClinGen allele CA339650.